The following is an entry in ClinVar:

NM_001369369.1(FOXN1):c.1313C>A (p.Pro438His)

Gene: FOXN1 (forkhead box N1; plus strand). Cytogenetic location: 17q11.2.
Variant type: single nucleotide variant.
Coding change: c.1313C>A on transcript NM_001369369.1 (MANE Select); coding-DNA position 1313, C replaced by A.
Protein change: p.Pro438His; replaces proline 438 with histidine.
Molecular consequence: missense variant.
Genome position (GRCh38, 1-based): chr17:28,534,884, C>A. VCF-style: chr17-28534884-C-A. GRCh37 (hg19) VCF-style: chr17-26861902-C-A.
Other names: c.1313C>A, p.Pro438His (NM_003593.3); short protein forms P438H.
Identifiers: ClinVar variation 1042114 (VCV001042114.19), dbSNP rs2070016524, ClinGen allele CA398325932.
Genomic context (GRCh38, chr17:28,534,884, plus strand): 5'-GCCTCTCCCCACCACTGCACTCACTCCACCCAGCTCCAGGCCCCATTCCTGGCAAGAACC[C>A]CCTGCAGGACCTACTTATGGGGCACACACCCTCCTGCTATGGGCAGACATACTTGCACCT-3'
Protein context (NP_001356298.1, residues 428-448): PAPGPIPGKN[Pro438His]LQDLLMGHTP

ClinVar aggregate classification (germline): Uncertain significance. Review status: criteria provided, multiple submitters, no conflicts (2 of 4 stars). 2 submissions from 2 submitters: Uncertain significance (2). Last evaluated 2025-07-21.

Conditions:
T-cell immunodeficiency, congenital alopecia, and nail dystrophy. Also called: Congenital alopecia and nail dystrophy associated with severe functional T-cell immunodeficiency; Pignata Guarino syndrome. Identifiers: Orphanet 169095, MedGen C1866426, MONDO:0011132, OMIM 601705.

Allele frequency attached by ClinVar (database versions not stated): gnomAD exomes below 0.00001; TOPMed 0.00004.

Submissions (2):

Labcorp Genetics (formerly Invitae), Labcorp
Classification: Uncertain significance for T-cell immunodeficiency, congenital alopecia, and nail dystrophy. Last evaluated: 2025-07-21. Review status: criteria provided, single submitter. Criteria: Invitae Variant Classification Sherloc (09022015). Collection method: clinical testing. Allele origin: germline.
Comment: This sequence change replaces proline, which is neutral and non-polar, with histidine, which is basic and polar, at codon 438 of the FOXN1 protein (p.Pro438His). This variant is not present in population databases (gnomAD no frequency). This variant has not been reported in the literature in individuals affected with FOXN1-related conditions. ClinVar contains an entry for this variant (Variation ID: 1042114). Invitae Evidence Modeling of protein sequence and biophysical properties (such as structural, functional, and spatial information, amino acid conservation, physicochemical variation, residue mobility, and thermodynamic stability) indicates that this missense variant is not expected to disrupt FOXN1 protein function with a negative predictive value of 80%. In summary, the available evidence is currently insufficient to determine the role of this variant in disease. Therefore, it has been classified as a Variant of Uncertain Significance.

CeGaT Center for Human Genetics Tuebingen
Classification: Uncertain significance. Last evaluated: 2024-08-01. Review status: criteria provided, single submitter. Criteria: CeGaT Center For Human Genetics Tuebingen Variant Classification Criteria Version 2. Collection method: clinical testing. Allele origin: germline. Affected: yes. Observed: 1 variant allele.
Comment: FOXN1: PM2